The following is an entry in ClinVar:

ClinVar aggregate classification (germline): Uncertain significance. Review status: criteria provided, multiple submitters, no conflicts (2 of 4 stars). 5 submissions from 5 submitters: Uncertain significance (4). 1 of the submissions does not count toward it. Last evaluated 2025-04-12.

Conditions:
Bardet-Biedl syndrome 2 (BBS2). Identifiers: Orphanet 110, MedGen C2936863, MONDO:0014432, OMIM 615981.
Retinitis pigmentosa 74 (RP74). Identifiers: Orphanet 791, MedGen C4225281, MONDO:0014692, OMIM 616562.
BBS2-related disorder. Also called: BBS2-related disorders; BBS2-related condition. Identifiers: MedGen CN239228.
Bardet-Biedl syndrome (BBS). Identifiers: Orphanet 110, MedGen C0752166, MONDO:0015229.
Inborn genetic diseases. Identifiers: MedGen C0950123, MeSH D030342.

gnomAD v4.1: 1 of 1,613,708 alleles (0.000062%); highest among the groups gnomAD compares: Admixed American, 0.0017%; no homozygotes.

Submissions (5):

Ambry Genetics
Classification: Uncertain significance for Inborn genetic diseases. Last evaluated: 2025-04-12. Review status: criteria provided, single submitter. Criteria: Ambry Variant Classification Scheme 2023. Collection method: clinical testing. Allele origin: germline.

GeneDx
Classification: Uncertain significance. Last evaluated: 2022-12-13. Review status: criteria provided, single submitter. Criteria: GeneDx Variant Classification Process June 2021. Collection method: clinical testing. Allele origin: germline. Affected: yes.
Comment: Not observed at significant frequency in large population cohorts (gnomAD); In silico analysis supports that this missense variant does not alter protein structure/function; Has not been previously published as pathogenic or benign to our knowledge

Labcorp Genetics (formerly Invitae), Labcorp
Classification: Uncertain significance for Bardet-Biedl syndrome. Last evaluated: 2022-08-15. Review status: criteria provided, single submitter. Criteria: Invitae Variant Classification Sherloc (09022015). Collection method: clinical testing. Allele origin: germline.
Comment: This sequence change replaces glycine, which is neutral and non-polar, with cysteine, which is neutral and slightly polar, at codon 515 of the BBS2 protein (p.Gly515Cys). This variant is present in population databases (no rsID available, gnomAD 0.003%). This variant has not been reported in the literature in individuals affected with BBS2-related conditions. ClinVar contains an entry for this variant (Variation ID: 1519024). Algorithms developed to predict the effect of missense changes on protein structure and function are either unavailable or do not agree on the potential impact of this missense change (SIFT: "Deleterious"; PolyPhen-2: "Possibly Damaging"; Align-GVGD: "Class C15"). In summary, the available evidence is currently insufficient to determine the role of this variant in disease. Therefore, it has been classified as a Variant of Uncertain Significance.

Fulgent Genetics
Classification: Uncertain significance for Bardet-Biedl syndrome 2; Retinitis pigmentosa 74. Last evaluated: 2022-03-22. Review status: criteria provided, single submitter. Criteria: ACMG Guidelines, 2015. Collection method: clinical testing. Allele origin: unknown.

PreventionGenetics, part of Exact Sciences
Classification: Uncertain significance for BBS2-related condition. Last evaluated: 2023-12-13. Review status: no assertion criteria provided. Collection method: clinical testing. Allele origin: germline. Not counted in ClinVar's aggregate classification.
Comment: The BBS2 c.1543G>T variant is predicted to result in the amino acid substitution p.Gly515Cys. To our knowledge, this variant has not been reported in the literature. This variant is reported in 0.0029% of alleles in individuals of Latino descent in gnomAD. At this time, the clinical significance of this variant is uncertain due to the absence of conclusive functional and genetic evidence.

NM_031885.5(BBS2):c.1543G>T (p.Gly515Cys)

Gene: BBS2 (Bardet-Biedl syndrome 2; minus strand). Cytogenetic location: 16q13.
Variant type: single nucleotide variant.
Coding change: c.1543G>T on transcript NM_031885.5 (MANE Select); coding-DNA position 1543, G replaced by T.
Protein change: p.Gly515Cys; replaces glycine 515 with cysteine.
Molecular consequence: missense variant. On other transcripts: non-coding transcript variant (5).
Genome position (GRCh38, 1-based): chr16:56,498,553, C>A on the plus strand (G>T on the coding strand, the complement: BBS2 is on the minus strand). VCF-style: chr16-56498553-C-A. GRCh37 (hg19) VCF-style: chr16-56532465-C-A.
Other names: c.1543G>T, p.Gly515Cys (NM_001377456.1); c.1543G>T (NM_031885.3); short protein forms G515C.
Identifiers: ClinVar variation 1519024 (VCV001519024.8), dbSNP rs181107019, ClinGen allele CA395977123.